The following is an entry in ClinVar:

NM_015214.3(DDHD2):c.1361C>A (p.Ala454Asp)

Gene: DDHD2 (DDHD domain containing 2; plus strand). Cytogenetic location: 8p11.23.
Variant type: single nucleotide variant.
Coding change: c.1361C>A on transcript NM_015214.3 (MANE Select); coding-DNA position 1361, C replaced by A.
Protein change: p.Ala454Asp; replaces alanine 454 with aspartic acid.
Molecular consequence: missense variant. On other transcripts: non-coding transcript variant (2).
Genome position (GRCh38, 1-based): chr8:38,251,928, C>A. VCF-style: chr8-38251928-C-A. GRCh37 (hg19) VCF-style: chr8-38109446-C-A.
Other names: c.1361C>A, p.Ala454Asp (NM_001164232.2, NM_001362911.2, NM_001362912.2 and 1 more transcripts); c.1271C>A, p.Ala424Asp (NM_001362913.2); c.1361C>A (NM_015214.2); short protein forms A424D, A454D.
Identifiers: ClinVar variation 1350745 (VCV001350745.7), dbSNP rs1005295323, ClinGen allele CA175075700.

ClinVar aggregate classification (germline): Uncertain significance. Review status: criteria provided, multiple submitters, no conflicts (2 of 4 stars). 2 submissions from 2 submitters: Uncertain significance (2). Last evaluated 2022-10-03.

Conditions:
Hereditary spastic paraplegia 54. Also called: Spastic paraplegia 54, autosomal recessive. Identifiers: Orphanet 320380, MedGen C3539495, MONDO:0014018, OMIM 615033.
Inborn genetic diseases. Identifiers: MedGen C0950123, MeSH D030342.

Allele frequency attached by ClinVar (database versions not stated): TOPMed 0.00003; gnomAD 0.00004.
gnomAD v4.1: 187 of 1,613,756 alleles (0.012%); highest among the groups gnomAD compares: Non-Finnish European, 0.015%; no homozygotes.

Submissions (2):

Ambry Genetics
Classification: Uncertain significance for Inborn genetic diseases. Last evaluated: 2022-10-03. Review status: criteria provided, single submitter. Criteria: Ambry Variant Classification Scheme 2023. Collection method: clinical testing. Allele origin: germline.

Labcorp Genetics (formerly Invitae), Labcorp
Classification: Uncertain significance for Hereditary spastic paraplegia 54. Last evaluated: 2021-06-22. Review status: criteria provided, single submitter. Criteria: Invitae Variant Classification Sherloc (09022015). Collection method: clinical testing. Allele origin: germline.
Comment: This sequence change replaces alanine with aspartic acid at codon 454 of the DDHD2 protein (p.Ala454Asp). The alanine residue is weakly conserved and there is a moderate physicochemical difference between alanine and aspartic acid. This variant is not present in population databases (ExAC no frequency). In summary, the available evidence is currently insufficient to determine the role of this variant in disease. Therefore, it has been classified as a Variant of Uncertain Significance. Algorithms developed to predict the effect of missense changes on protein structure and function (SIFT, PolyPhen-2, Align-GVGD) all suggest that this variant is likely to be tolerated, but these predictions have not been confirmed by published functional studies and their clinical significance is uncertain. This variant has not been reported in the literature in individuals with DDHD2-related conditions.